The following is an entry in ClinVar:

ClinVar aggregate classification (germline): Uncertain significance. Review status: criteria provided, multiple submitters, no conflicts (2 of 4 stars). 3 submissions from 3 submitters: Uncertain significance (3). Last evaluated 2022-07-12.

Allele frequency attached by ClinVar (database versions not stated): ExAC 0.00034; gnomAD exomes 0.00037 and 0.00063; gnomAD 0.00046; TOPMed 0.00048.
gnomAD v4.1: 976 of 1,613,984 alleles (0.06%); highest among the groups gnomAD compares: Non-Finnish European, 0.078%; no homozygotes.

Submissions (3):

Labcorp Genetics (formerly Invitae), Labcorp
Classification: Uncertain significance. Last evaluated: 2022-07-12. Review status: criteria provided, single submitter. Criteria: Invitae Variant Classification Sherloc (09022015). Collection method: clinical testing. Allele origin: germline.
Comment: This sequence change replaces cysteine, which is neutral and slightly polar, with serine, which is neutral and polar, at codon 725 of the CKAP2L protein (p.Cys725Ser). This variant is present in population databases (rs138357559, gnomAD 0.08%). This variant has not been reported in the literature in individuals affected with CKAP2L-related conditions. ClinVar contains an entry for this variant (Variation ID: 1310429). Algorithms developed to predict the effect of missense changes on protein structure and function are either unavailable or do not agree on the potential impact of this missense change (SIFT: "Tolerated"; PolyPhen-2: "Possibly Damaging"; Align-GVGD: "Class C0"). In summary, the available evidence is currently insufficient to determine the role of this variant in disease. Therefore, it has been classified as a Variant of Uncertain Significance.

GeneDx
Classification: Uncertain significance. Last evaluated: 2019-11-26. Review status: criteria provided, single submitter. Criteria: GeneDx Variant Classification Process June 2021. Collection method: clinical testing. Allele origin: germline. Affected: yes.
Comment: In silico analysis, which includes protein predictors and evolutionary conservation, supports a deleterious effect; Has not been previously published as pathogenic or benign to our knowledge

Breakthrough Genomics
Classification: Uncertain significance. Review status: criteria provided, single submitter. Criteria: ACMG Guidelines, 2015. Collection method: not provided. Allele origin: germline. Inheritance: Autosomal recessive inheritance. Affected: yes.

NM_152515.5(CKAP2L):c.2173T>A (p.Cys725Ser)

Genes: CKAP2L (cytoskeleton associated protein 2 like; minus strand), NT5DC4 (5'-nucleotidase domain containing 4; plus strand). Cytogenetic location: 2q14.1.
Variant type: single nucleotide variant.
Coding change: c.2173T>A on transcript NM_152515.5 (MANE Select); coding-DNA position 2173, T replaced by A.
Protein change: p.Cys725Ser; replaces cysteine 725 with serine.
Molecular consequence: missense variant. On other transcripts: non-coding transcript variant (1), intron variant (2).
Genome position (GRCh38, 1-based): chr2:112,738,888, A>T on the plus strand (T>A on the coding strand, the complement: CKAP2L is on the minus strand). VCF-style: chr2-112738888-A-T. GRCh37 (hg19) VCF-style: chr2-113496465-A-T.
Other names: c.1678T>A, p.Cys560Ser (NM_001304361.2); c.1345-25A>T (NM_001393655.1); c.1249-3524A>T (NM_001350494.2); short protein forms C560S, C725S.
Identifiers: ClinVar variation 1310429 (VCV001310429.7), dbSNP rs138357559, ClinGen allele CA1836452.